The following is an entry in ClinVar:

NM_000245.4(MET):c.1587C>A (p.Cys529Ter)

Gene: MET (MET proto-oncogene, receptor tyrosine kinase; plus strand). Cytogenetic location: 7q31.2.
Variant type: single nucleotide variant.
Coding change: c.1587C>A on transcript NM_000245.4 (MANE Select); coding-DNA position 1587, C replaced by A.
Protein change: p.Cys529Ter; replaces cysteine 529 with a stop codon.
Molecular consequence: nonsense.
Genome position (GRCh38, 1-based): chr7:116,740,911, C>A. VCF-style: chr7-116740911-C-A. GRCh37 (hg19) VCF-style: chr7-116380965-C-A.
Other names: c.1587C>A, p.Cys529Ter (NM_001127500.3, NM_001324401.3); c.297C>A, p.Cys99Ter (NM_001324402.2); short protein forms C529*, C99*.
Identifiers: ClinVar variation 1775822 (VCV001775822.2), dbSNP rs2116835345, ClinGen allele CA368975312.

ClinVar aggregate classification (germline): Uncertain significance (1 of 4 stars; one submission).

Conditions:
Hereditary cancer-predisposing syndrome. Also called: Neoplastic Syndromes, Hereditary; Tumor predisposition; Hereditary Cancer Syndrome; Hereditary neoplastic syndrome. Identifiers: Orphanet 140162, MedGen C0027672, MeSH D009386, MONDO:0015356.

Submission:

Ambry Genetics
Classification: Uncertain significance for Hereditary cancer-predisposing syndrome. Last evaluated: 2021-08-11. Review status: criteria provided, single submitter. Criteria: Ambry Variant Classification Scheme 2023. Collection method: clinical testing. Allele origin: germline.
Comment: The p.C529* variant (also known as c.1587C>A), located in coding exon 4 of the MET gene, results from a C to A substitution at nucleotide position 1587. This changes the amino acid from a cysteine to a stop codon within coding exon 4. This alteration is expected to result in premature protein truncation or nonsense-mediated mRNA decay. However, loss of function of MET has not been clearly established as a mechanism of disease. Since supporting evidence is limited at this time, the clinical significance of this alteration remains unclear.